The following is an entry in ClinVar:

NM_001270.4(CHD1):c.2870C>T (p.Ser957Phe)

Gene: CHD1 (chromodomain helicase DNA binding protein 1; minus strand). Cytogenetic location: 5q15.
Variant type: single nucleotide variant.
Coding change: c.2870C>T on transcript NM_001270.4 (MANE Select); coding-DNA position 2870, C replaced by T.
Protein change: p.Ser957Phe; replaces serine 957 with phenylalanine.
Molecular consequence: missense variant. On other transcripts: non-coding transcript variant (2).
Genome position (GRCh38, 1-based): chr5:98,881,373, G>A on the plus strand (C>T on the coding strand, the complement: CHD1 is on the minus strand). VCF-style: chr5-98881373-G-A. GRCh37 (hg19) VCF-style: chr5-98217077-G-A.
Other names: c.2870C>T, p.Ser957Phe (NM_001364113.3, NM_001376194.2); short protein forms S957F.
Identifiers: ClinVar variation 2580811 (VCV002580811.1), dbSNP rs2479536566, ClinGen allele CA360510576.

ClinVar aggregate classification (germline): Uncertain significance (1 of 4 stars; one submission).

Allele frequency attached by ClinVar (database versions not stated): gnomAD exomes below 0.00001.
gnomAD v4.1: 1 of 1,495,050 alleles (0.000067%); highest among the groups gnomAD compares: South Asian, 0.0013%; no homozygotes.

Submission:

GeneDx
Classification: Uncertain significance. Last evaluated: 2023-03-15. Review status: criteria provided, single submitter. Criteria: GeneDx Variant Classification Process June 2021. Collection method: clinical testing. Allele origin: germline. Affected: yes.
Comment: Not observed at significant frequency in large population cohorts (gnomAD); In silico analysis supports that this missense variant has a deleterious effect on protein structure/function; Has not been previously published as pathogenic or benign to our knowledge